The following is an entry in ClinVar:

NM_001257291.2(SLC9A7):c.2073A>G (p.Arg691=)

Gene: SLC9A7 (solute carrier family 9 member A7; minus strand). Cytogenetic location: Xp11.3.
Variant type: single nucleotide variant.
Coding change: c.2073A>G on transcript NM_001257291.2 (MANE Select); coding-DNA position 2073, A replaced by G.
Protein change: p.Arg691=; no amino-acid change (arginine 691 retained).
Molecular consequence: synonymous variant.
Genome position (GRCh38, 1-based): chrX:46,607,060, T>C on the plus strand (A>G on the coding strand, the complement: SLC9A7 is on the minus strand). VCF-style: chrX-46607060-T-C. GRCh37 (hg19) VCF-style: chrX-46466495-T-C.
Other names: c.2070A>G, p.Arg690= (NM_032591.3); c.2073A>G (NM_001257291.1).
Identifiers: ClinVar variation 2043847 (VCV002043847.6), dbSNP rs146610288, ClinGen allele CA10393711.

ClinVar aggregate classification (germline): Benign. Review status: criteria provided, single submitter (1 of 4 stars). 2 submissions from 2 submitters: Benign (1). 1 of the submissions does not count toward it. Last evaluated 2025-09-15.

Conditions:
SLC9A7-related disorder. Also called: SLC9A7-related condition.

Allele frequency attached by ClinVar (database versions not stated): gnomAD exomes 0.00053; ExAC 0.00179; gnomAD 0.00513; TOPMed 0.00560; ESP Exome Variant Server 0.00577; 1000 Genomes Project 0.00583; 1000 Genomes Project 30x 0.00583.
gnomAD v4.1: 1,188 of 1,209,682 alleles (0.098%); highest among the groups gnomAD compares: African/African-American, 1.8%; 12 homozygotes.

Submissions (2):

Labcorp Genetics (formerly Invitae), Labcorp
Classification: Benign. Last evaluated: 2025-09-15. Review status: criteria provided, single submitter. Criteria: Invitae Variant Classification Sherloc (09022015). Collection method: clinical testing. Allele origin: germline.

PreventionGenetics, part of Exact Sciences
Classification: Benign for SLC9A7-related condition. Last evaluated: 2020-01-17. Review status: no assertion criteria provided. Collection method: clinical testing. Allele origin: germline. Not counted in ClinVar's aggregate classification.
Comment: This variant is classified as benign based on ACMG/AMP sequence variant interpretation guidelines (Richards et al. 2015 PMID: 25741868, with internal and published modifications).